The following is an entry in ClinVar:

ClinVar aggregate classification (germline): Uncertain significance (1 of 4 stars; one submission).

gnomAD v4.1: 2 of 1,613,432 alleles (0.00012%); highest among the groups gnomAD compares: Non-Finnish European, 0.00017%; no homozygotes.

Submission:

Laboratory for Molecular Medicine, Mass General Brigham Personalized Medicine
Classification: Uncertain significance. Last evaluated: 2012-05-10. Review status: criteria provided, single submitter. Criteria: LMM Criteria. Collection method: clinical testing. Allele origin: germline. Observed: 1 variant allele.
Comment: The Asp6218Glu variant in TTN has not been reported in the literature nor previo usly identified by our laboratory. Computational analyses (biochemical amino aci d properties, conservation, AlignGVGD, PolyPhen2, and SIFT) do not provide stron g support for or against an impact to the protein. Additional information is nee ded to fully assess the clinical significance of this variant.

NM_001267550.2(TTN):c.22386T>G (p.Asp7462Glu)

Gene: TTN (titin; minus strand). Cytogenetic location: 2q31.2.
Variant type: single nucleotide variant.
Coding change: c.22386T>G on transcript NM_001267550.2 (MANE Select); coding-DNA position 22386, T replaced by G.
Protein change: p.Asp7462Glu; replaces aspartic acid 7462 with glutamic acid.
Molecular consequence: missense variant. On other transcripts: intron variant (3).
Genome position (GRCh38, 1-based): chr2:178,722,401, A>C on the plus strand (T>G on the coding strand, the complement: TTN is on the minus strand). VCF-style: chr2-178722401-A-C. GRCh37 (hg19) VCF-style: chr2-179587128-A-C.
Other names: c.18654T>G, p.Asp6218Glu (NM_133378.4); c.21435T>G, p.Asp7145Glu (NM_001256850.1); c.13282+15681T>G (NM_003319.4); c.13858+15681T>G (NM_133437.4); c.13657+15681T>G (NM_133432.3); short protein forms D7462E, D6218E, D7145E.
Identifiers: ClinVar variation 46700 (VCV000046700.5), dbSNP rs183482849, ClinGen allele CA138999.